The following is an entry in ClinVar:

NM_177438.3(DICER1):c.5504_5507del (p.Tyr1835fs)

Gene: DICER1 (dicer 1, ribonuclease III; minus strand). Cytogenetic location: 14q32.13.
Variant type: Deletion.
Coding change: c.5504_5507del on transcript NM_177438.3 (MANE Select); coding-DNA positions 5504 to 5507, 4 bases deleted (ATCC; older notation c.5504_5507delATCC).
Protein change: p.Tyr1835fs; shifts the reading frame from tyrosine 1835.
Molecular consequence: frameshift variant. On other transcripts: intron variant (1).
Genome position (GRCh38, 1-based): chr14:95,091,223-95,091,226, GGAT deleted on the plus strand (ATCC on the coding strand, the reverse complement: DICER1 is on the minus strand). VCF-style (leftmost placement, unchanged base first): chr14-95091222-GGGAT-G. GRCh37 (hg19) VCF-style: chr14-95557559-GGGAT-G.
Other names: c.5504_5507delATCC (NM_177438.2); c.5504_5507del, p.Tyr1835fs (NM_001271282.3, NM_001291628.2, NM_030621.4); c.5365-117_5365-114del (NM_001195573.1); short protein forms Y1835fs.
Identifiers: ClinVar variation 582239 (VCV000582239.12), dbSNP rs1566746106, ClinGen allele CA891843811.

ClinVar aggregate classification (germline): Pathogenic. Review status: criteria provided, multiple submitters, no conflicts (2 of 4 stars). 3 submissions from 3 submitters: Pathogenic (3). Last evaluated 2020-01-06.

Conditions:
DICER1-related tumor predisposition. Also called: DICER1 syndrome; DICER1-related pleuropulmonary blastoma cancer predisposition syndrome. Identifiers: Orphanet 284343, MedGen C3839822, MONDO:0100216.
Hereditary cancer-predisposing syndrome. Also called: Neoplastic Syndromes, Hereditary; Hereditary Cancer Syndrome; Tumor predisposition; Hereditary neoplastic syndrome. Identifiers: Orphanet 140162, MedGen C0027672, MeSH D009386, MONDO:0015356.

Submissions (3):

Labcorp Genetics (formerly Invitae), Labcorp
Classification: Pathogenic for DICER1-related tumor predisposition. Last evaluated: 2020-01-06. Review status: criteria provided, single submitter. Criteria: Invitae Variant Classification Sherloc (09022015). Collection method: clinical testing. Allele origin: germline.
Comment: This variant is not present in population databases (ExAC no frequency). For these reasons, this variant has been classified as Pathogenic. Loss-of-function variants in DICER1 are known to be pathogenic (PMID: 19556464, 21266384). This variant has not been reported in the literature in individuals with DICER1-related disease. This sequence change creates a premature translational stop signal (p.Tyr1835Serfs*2) in the DICER1 gene. It is expected to result in an absent or disrupted protein product.

Foulkes Cancer Genetics LDI, Lady Davis Institute for Medical Research
Classification: Pathogenic for Pleuropulmonary blastoma. Last evaluated: 2019-07-01. Review status: criteria provided, single submitter. Criteria: ACMG Guidelines, 2015. Collection method: curation. Allele origin: germline. Affected: yes. Observed: 2 variant alleles.
Comment: ACMG criteria met: PVS1, PM2, PP4

Ambry Genetics
Classification: Pathogenic for Hereditary cancer-predisposing syndrome. Last evaluated: 2017-01-04. Review status: criteria provided, single submitter. Criteria: Ambry Variant Classification Scheme 2023. Collection method: clinical testing. Allele origin: germline.
Comment: The c.5504_5507delATCC pathogenic mutation, located in coding exon 24 of the DICER1 gene, results from a deletion of 4 nucleotides at nucleotide positions 5504 to 5507, causing a translational frameshift with a predicted alternate stop codon (p.Y1835Sfs*2). This alteration is expected to result in loss of function by premature protein truncation or nonsense-mediated mRNA decay. As such, this alteration is interpreted as a disease-causing mutation.

Literature cited by the submitters: PubMed 19556464 (cited by Labcorp Genetics (formerly Invitae), Labcorp); PubMed 21266384 (cited by Labcorp Genetics (formerly Invitae), Labcorp); PubMed 29395683 (cited by Foulkes Cancer Genetics LDI, Lady Davis Institute for Medical Research).